The following is an entry in ClinVar:

ClinVar aggregate classification (germline): Uncertain significance (1 of 4 stars; one submission).

Allele frequency attached by ClinVar (database versions not stated): ExAC 0.00001; gnomAD 0.00001; gnomAD exomes 0.00001.
gnomAD v4.1: 13 of 1,609,664 alleles (0.00081%); highest among the groups gnomAD compares: East Asian, 0.0022%; no homozygotes.

Submission:

Labcorp Genetics (formerly Invitae), Labcorp
Classification: Uncertain significance. Last evaluated: 2022-08-22. Review status: criteria provided, single submitter. Criteria: Invitae Variant Classification Sherloc (09022015). Collection method: clinical testing. Allele origin: germline.
Comment: This sequence change replaces arginine, which is basic and polar, with cysteine, which is neutral and slightly polar, at codon 273 of the RARS2 protein (p.Arg273Cys). This variant is present in population databases (rs777737159, gnomAD 0.003%). This variant has not been reported in the literature in individuals affected with RARS2-related conditions. Algorithms developed to predict the effect of missense changes on protein structure and function are either unavailable or do not agree on the potential impact of this missense change (SIFT: "Deleterious"; PolyPhen-2: "Possibly Damaging"; Align-GVGD: "Class C15"). In summary, the available evidence is currently insufficient to determine the role of this variant in disease. Therefore, it has been classified as a Variant of Uncertain Significance.

NM_020320.5(RARS2):c.817C>T (p.Arg273Cys)

Gene: RARS2 (arginyl-tRNA synthetase 2, mitochondrial; minus strand). Cytogenetic location: 6q15.
Variant type: single nucleotide variant.
Coding change: c.817C>T on transcript NM_020320.5 (MANE Select); coding-DNA position 817, C replaced by T.
Protein change: p.Arg273Cys; replaces arginine 273 with cysteine.
Molecular consequence: missense variant. On other transcripts: non-coding transcript variant (23).
Genome position (GRCh38, 1-based): chr6:87,529,603, G>A on the plus strand (C>T on the coding strand, the complement: RARS2 is on the minus strand). VCF-style: chr6-87529603-G-A. GRCh37 (hg19) VCF-style: chr6-88239321-G-A.
Other names: c.292C>T, p.Arg98Cys (NM_001318785.2, NM_001350506.2, NM_001350507.2 and 4 more transcripts); c.817C>T, p.Arg273Cys (NM_001350505.2); short protein forms R98C, R273C.
Identifiers: ClinVar variation 2163106 (VCV002163106.1), dbSNP rs777737159, ClinGen allele CA3916509.